The following is an entry in ClinVar:

ClinVar aggregate classification (germline): Uncertain significance (1 of 4 stars; one submission).

Conditions:
Inborn genetic diseases. Identifiers: MedGen C0950123, MeSH D030342.

gnomAD v4.1: 3 of 1,610,200 alleles (0.00019%); highest among the groups gnomAD compares: Admixed American, 0.005%; no homozygotes.

Submission:

Ambry Genetics
Classification: Uncertain significance for Inborn genetic diseases. Last evaluated: 2025-02-16. Review status: criteria provided, single submitter. Criteria: Ambry Variant Classification Scheme 2023. Collection method: clinical testing. Allele origin: germline.
Comment: The p.P324Q variant (also known as c.971C>A), located in coding exon 5 of the ETV6 gene, results from a C to A substitution at nucleotide position 971. The proline at codon 324 is replaced by glutamine, an amino acid with similar properties. This amino acid position is conserved. In addition, this alteration is predicted to be tolerated by in silico analysis. Based on the available evidence, the clinical significance of this variant remains unclear.

NM_001987.5(ETV6):c.971C>A (p.Pro324Gln)

Gene: ETV6 (ETS variant transcription factor 6; plus strand). Cytogenetic location: 12p13.2.
Variant type: single nucleotide variant.
Coding change: c.971C>A on transcript NM_001987.5 (MANE Select); coding-DNA position 971, C replaced by A.
Protein change: p.Pro324Gln; replaces proline 324 with glutamine.
Molecular consequence: missense variant.
Genome position (GRCh38, 1-based): chr12:11,869,931, C>A. VCF-style: chr12-11869931-C-A. GRCh37 (hg19) VCF-style: chr12-12022865-C-A.
Other names: c.968C>A, p.Pro323Gln (NM_001413913.1); c.944C>A, p.Pro315Gln (NM_001413914.1); c.707C>A, p.Pro236Gln (NM_001413915.1); c.971C>A, p.Pro324Gln (NM_001413916.1, NM_001413917.1); short protein forms P323Q, P315Q, P236Q, P324Q.
Identifiers: ClinVar variation 3846536 (VCV003846536.1).